The following is an entry in ClinVar:

NM_001199397.3(NEK1):c.2354G>A (p.Arg785His)

Gene: NEK1 (NIMA related kinase 1; minus strand). Cytogenetic location: 4q33.
Variant type: single nucleotide variant.
Coding change: c.2354G>A on transcript NM_001199397.3 (MANE Select); coding-DNA position 2354, G replaced by A.
Protein change: p.Arg785His; replaces arginine 785 with histidine.
Molecular consequence: missense variant. On other transcripts: non-coding transcript variant (1).
Genome position (GRCh38, 1-based): chr4:169,477,204, C>T on the plus strand (G>A on the coding strand, the complement: NEK1 is on the minus strand). VCF-style: chr4-169477204-C-T. GRCh37 (hg19) VCF-style: chr4-170398355-C-T.
Other names: c.2270G>A (NM_012224.2); c.2222G>A, p.Arg741His (NM_001199398.3); c.2063G>A, p.Arg688His (NM_001199399.3); c.2138G>A, p.Arg713His (NM_001199400.3); c.2354G>A, p.Arg785His (NM_001374418.1); c.2270G>A, p.Arg757His (NM_001374419.1, NM_012224.4); c.2219G>A, p.Arg740His (NM_001374420.1); c.2048G>A, p.Arg683His (NM_001374421.1); short protein forms R688H, R741H, R740H, R683H, R713H, R757H, R785H.
Identifiers: ClinVar variation 2081605 (VCV002081605.5), dbSNP rs757319297, ClinGen allele CA3137437.
Genomic context (GRCh38, chr4:169,477,204, plus strand): 5'-GTATCTAGTGTTAACTCATCCAGAGGAATCACAAGTTGACCTCCTGCCTCCCACTTCTTG[C>T]GATCAGATGAAACTGATTTTTCTTTTTCATGCTCTTTGGCATCTTCATGAACATTTATCT-3'
Protein context (NP_001186326.1, residues 775-795): HEKEKSVSSD[Arg785His]KKWEAGGQLV

ClinVar aggregate classification (germline): Uncertain significance. Review status: criteria provided, single submitter (1 of 4 stars). 2 submissions from 2 submitters: Uncertain significance (1). 1 of the submissions does not count toward it. Last evaluated 2025-12-01.

Conditions:
NEK1-related disorder. Also called: NEK1-related condition.
Short-rib thoracic dysplasia 6 with or without polydactyly (SRTD6). Also called: SHORT RIB-POLYDACTYLY SYNDROME, TYPE IIA; SHORT-RIB THORACIC DYSPLASIA 6 WITH POLYDACTYLY; SHORT-RIB THORACIC DYSPLASIA 6 WITHOUT POLYDACTYLY; Majewski Syndrome; POLYDACTYLY WITH NEONATAL CHONDRODYSTROPHY, TYPE II. Identifiers: MedGen C0024507, MONDO:0009894, OMIM 263520.

Allele frequency attached by ClinVar (database versions not stated): ExAC 0.00001; gnomAD 0.00001.
gnomAD v4.1: 14 of 1,607,644 alleles (0.00087%); highest among the groups gnomAD compares: East Asian, 0.0067%; no homozygotes.

Submissions (2):

Labcorp Genetics (formerly Invitae), Labcorp
Classification: Uncertain significance for Short-rib thoracic dysplasia 6 with or without polydactyly. Last evaluated: 2025-12-01. Review status: criteria provided, single submitter. Criteria: Invitae Variant Classification Sherloc (09022015). Collection method: clinical testing. Allele origin: germline.
Comment: This sequence change replaces arginine, which is basic and polar, with histidine, which is basic and polar, at codon 757 of the NEK1 protein (p.Arg757His). The frequency data for this variant in the population databases is considered unreliable, as metrics indicate poor data quality at this position in the gnomAD database. This variant has not been reported in the literature in individuals affected with NEK1-related conditions. ClinVar contains an entry for this variant (Variation ID: 2081605). Invitae Evidence Modeling of protein sequence and biophysical properties (such as structural, functional, and spatial information, amino acid conservation, physicochemical variation, residue mobility, and thermodynamic stability) indicates that this missense variant is expected to disrupt NEK1 protein function with a positive predictive value of 80%. In summary, the available evidence is currently insufficient to determine the role of this variant in disease. Therefore, it has been classified as a Variant of Uncertain Significance.

PreventionGenetics, part of Exact Sciences
Classification: Uncertain significance for NEK1-related condition. Last evaluated: 2024-05-06. Review status: no assertion criteria provided. Collection method: clinical testing. Allele origin: germline. Not counted in ClinVar's aggregate classification.
Comment: The NEK1 c.2270G>A variant is predicted to result in the amino acid substitution p.Arg757His. To our knowledge, this variant has not been reported in the literature. This variant is reported in 0.0052% of alleles in individuals of East Asian descent in gnomAD. At this time, the clinical significance of this variant is uncertain due to the absence of conclusive functional and genetic evidence.